The following is an entry in ClinVar:

ClinVar aggregate classification (germline): Uncertain significance (1 of 4 stars; one submission).

gnomAD v4.1: 4 of 1,543,680 alleles (0.00026%); highest among the groups gnomAD compares: African/African-American, 0.0014%; no homozygotes.

Submission:

Labcorp Genetics (formerly Invitae), Labcorp
Classification: Uncertain significance. Last evaluated: 2025-04-08. Review status: criteria provided, single submitter. Criteria: Invitae Variant Classification Sherloc (09022015). Collection method: clinical testing. Allele origin: germline.
Comment: This sequence change replaces alanine, which is neutral and non-polar, with glutamic acid, which is acidic and polar, at codon 13 of the C1QTNF5 protein (p.Ala13Glu). The frequency data for this variant in the population databases is considered unreliable, as metrics indicate poor data quality at this position in the gnomAD database. This variant has not been reported in the literature in individuals affected with C1QTNF5-related conditions. ClinVar contains an entry for this variant (Variation ID: 1521776). Experimental studies and prediction algorithms are not available or were not evaluated, and the functional significance of this variant is currently unknown. In summary, the available evidence is currently insufficient to determine the role of this variant in disease. Therefore, it has been classified as a Variant of Uncertain Significance.

NM_001278431.2(C1QTNF5):c.38C>A (p.Ala13Glu)

Genes: C1QTNF5 (C1q and TNF related 5; minus strand), MFRP (membrane frizzled-related protein; minus strand). Cytogenetic location: 11q23.3.
Variant type: single nucleotide variant.
Coding change: c.38C>A on transcript NM_001278431.2 (MANE Select); coding-DNA position 38, C replaced by A.
Protein change: p.Ala13Glu; replaces alanine 13 with glutamic acid.
Molecular consequence: missense variant. On other transcripts: 3 prime UTR variant (1).
Genome position (GRCh38, 1-based): chr11:119,340,360, G>T on the plus strand (C>A on the coding strand, the complement: C1QTNF5 is on the minus strand). VCF-style: chr11-119340360-G-T. GRCh37 (hg19) VCF-style: chr11-119211070-G-T.
Other names: c.38C>A, p.Ala13Glu (NM_015645.5); c.*934C>A (NM_031433.4); short protein forms A13E.
Identifiers: ClinVar variation 1521776 (VCV001521776.8), dbSNP rs1355527705, ClinGen allele CA382971077.
Genomic context (GRCh38, chr11:119,340,360, plus strand): 5'-CCGGGGTGCCCCGGGCAGAGGCTGGGGATCTTGTTGTCGTCCAGTGGGGGCGAGCCGGCC[G>T]CCAGGCCCAGGAGCAGCAGGACGAGGAGTGGCCTCATAGCGCTGGCACCGGGAGCCCGGA-3'
Protein context (NP_001265360.1, residues 3-23): PLLVLLLLGL[Ala13Glu]AGSPPLDDNK